The following is an entry in ClinVar:

NM_002335.4(LRP5):c.2438A>G (p.Tyr813Cys)

Gene: LRP5 (LDL receptor related protein 5; plus strand). Cytogenetic location: 11q13.2.
Variant type: single nucleotide variant.
Coding change: c.2438A>G on transcript NM_002335.4 (MANE Select); coding-DNA position 2438, A replaced by G.
Protein change: p.Tyr813Cys; replaces tyrosine 813 with cysteine.
Molecular consequence: missense variant.
Genome position (GRCh38, 1-based): chr11:68,411,555, A>G. VCF-style: chr11-68411555-A-G. GRCh37 (hg19) VCF-style: chr11-68179023-A-G.
Other names: c.695A>G, p.Tyr232Cys (NM_001291902.2); short protein forms Y813C, Y232C.
Identifiers: ClinVar variation 1483626 (VCV001483626.6), dbSNP rs1206706919, ClinGen allele CA381617217.

ClinVar aggregate classification (germline): Uncertain significance (1 of 4 stars; one submission).

Allele frequency attached by ClinVar (database versions not stated): gnomAD exomes below 0.00001; TOPMed below 0.00001.
gnomAD v4.1: 3 of 1,613,788 alleles (0.00019%); highest among the groups gnomAD compares: Admixed American, 0.0017%; no homozygotes.

Submission:

Labcorp Genetics (formerly Invitae), Labcorp
Classification: Uncertain significance. Last evaluated: 2022-07-12. Review status: criteria provided, single submitter. Criteria: Invitae Variant Classification Sherloc (09022015). Collection method: clinical testing. Allele origin: germline.
Comment: In summary, the available evidence is currently insufficient to determine the role of this variant in disease. Therefore, it has been classified as a Variant of Uncertain Significance. Advanced modeling of protein sequence and biophysical properties (such as structural, functional, and spatial information, amino acid conservation, physicochemical variation, residue mobility, and thermodynamic stability) performed at Invitae indicates that this missense variant is expected to disrupt LRP5 protein function. ClinVar contains an entry for this variant (Variation ID: 1483626). This variant has not been reported in the literature in individuals affected with LRP5-related conditions. This variant is not present in population databases (gnomAD no frequency). This sequence change replaces tyrosine, which is neutral and polar, with cysteine, which is neutral and slightly polar, at codon 813 of the LRP5 protein (p.Tyr813Cys).